The following is an entry in ClinVar:

ClinVar aggregate classification (germline): Uncertain significance (1 of 4 stars; one submission).

Conditions:
Joubert syndrome. Also called: CEREBELLOPARENCHYMAL DISORDER IV; JOUBERT-BOLTSHAUSER SYNDROME; Familial aplasia of the vermis. Identifiers: Orphanet 475, MedGen C5979921, MONDO:0018772.

Allele frequency attached by ClinVar (database versions not stated): gnomAD exomes 0.00001.
gnomAD v4.1: 7 of 1,613,810 alleles (0.00043%); highest among the groups gnomAD compares: South Asian, 0.0077%; no homozygotes.

Submission:

Labcorp Genetics (formerly Invitae), Labcorp
Classification: Uncertain significance for Joubert syndrome. Last evaluated: 2021-09-30. Review status: criteria provided, single submitter. Criteria: Invitae Variant Classification Sherloc (09022015). Collection method: clinical testing. Allele origin: germline.
Comment: This sequence change affects codon 76 of the TMEM216 mRNA. It is a 'silent' change, meaning that it does not change the encoded amino acid sequence of the TMEM216 protein. This variant is not present in population databases (ExAC no frequency). This variant has not been reported in the literature in individuals with TMEM216-related conditions. Algorithms developed to predict the effect of sequence changes on RNA splicing suggest that this variant is not likely to affect RNA splicing, but this prediction has not been confirmed by published transcriptional studies. In summary, the available evidence is currently insufficient to determine the role of this variant in disease. Therefore, it has been classified as a Variant of Uncertain Significance.

NM_001173990.3(TMEM216):c.228T>C (p.Phe76=)

Gene: TMEM216 (transmembrane protein 216; plus strand). Cytogenetic location: 11q12.2.
Variant type: single nucleotide variant.
Coding change: c.228T>C on transcript NM_001173990.3 (MANE Select); coding-DNA position 228, T replaced by C.
Protein change: p.Phe76=; no amino-acid change (phenylalanine 76 retained).
Molecular consequence: synonymous variant.
Genome position (GRCh38, 1-based): chr11:61,393,975, T>C. VCF-style: chr11-61393975-T-C. GRCh37 (hg19) VCF-style: chr11-61161447-T-C.
Other names: c.228T>C, p.Phe76= (NM_001173991.3); c.45T>C, p.Phe15= (NM_001330285.2, NM_016499.6).
Identifiers: ClinVar variation 1367455 (VCV001367455.5), dbSNP rs1383356739, ClinGen allele CA474519030.